The following is an entry in ClinVar:

ClinVar aggregate classification (germline): Uncertain significance. Review status: criteria provided, multiple submitters, no conflicts (2 of 4 stars). 4 submissions from 4 submitters: Uncertain significance (4). Last evaluated 2023-05-16.

Conditions:
Deficiency of iodide peroxidase (TDH2A). Also called: HYPOTHYROIDISM, CONGENITAL, DUE TO DYSHORMONOGENESIS, 2A; IODIDE PEROXIDASE DEFICIENCY; THYROID HORMONOGENESIS, GENETIC DEFECT IN, 2A; THYROID PEROXIDASE DEFICIENCY; Thyroid dyshormonogenesis 2A. Identifiers: Orphanet 95716, MedGen C1291299, MONDO:0010133, OMIM 274500.

Allele frequency attached by ClinVar (database versions not stated): 1000 Genomes Project 30x 0.00016; 1000 Genomes Project 0.00020; ESP Exome Variant Server 0.00054; ExAC 0.00071; gnomAD 0.00102 and 0.00106; TOPMed 0.00109.
gnomAD v4.1: 1,604 of 1,614,204 alleles (0.099%); highest among the groups gnomAD compares: Non-Finnish European, 0.12%; 4 homozygotes.

Submissions (4):

GeneDx
Classification: Uncertain significance. Last evaluated: 2023-05-16. Review status: criteria provided, single submitter. Criteria: GeneDx Variant Classification Process June 2021. Collection method: clinical testing. Allele origin: germline. Affected: yes.
Comment: In silico analysis supports that this missense variant has a deleterious effect on protein structure/function; Identified in the heterozygous state in two patients, and identified in the heterozygous state with a second TPO variant in one patient, with congenital hypothyroidism in published literature (Makretskaya et al., 2018); This variant is associated with the following publications: (PMID: 30240412)

Department of Pathology and Laboratory Medicine, Sinai Health System
Classification: Uncertain significance for Deficiency of iodide peroxidase. Last evaluated: 2022-07-21. Review status: criteria provided, single submitter. Criteria: ACMG Guidelines, 2015. Collection method: research. Allele origin: germline.

Fulgent Genetics
Classification: Uncertain significance for Deficiency of iodide peroxidase. Last evaluated: 2022-02-11. Review status: criteria provided, single submitter. Criteria: ACMG Guidelines, 2015. Collection method: clinical testing. Allele origin: unknown.

Illumina Laboratory Services, Illumina
Classification: Uncertain significance for Deficiency of iodide peroxidase. Last evaluated: 2017-04-27. Review status: criteria provided, single submitter. Criteria: ICSL Variant Classification Criteria 13 December 2019. Collection method: clinical testing. Allele origin: germline.
Comment: This variant was observed as part of a predisposition screen in an ostensibly healthy population. A literature search was performed for the gene, cDNA change, and amino acid change (where applicable). Publications were found based on this search. However, the evidence from the literature, in combination with allele frequency data from public databases where available, was not sufficient to rule this variant in or out of causing disease. Therefore, this variant is classified as a variant of unknown significance.

Literature cited by the submitters: PubMed 17468186 (cited by Illumina Laboratory Services, Illumina).

NM_001206744.2(TPO):c.208C>G (p.Pro70Ala)

Gene: TPO (thyroid peroxidase; plus strand). Cytogenetic location: 2p25.3.
Variant type: single nucleotide variant.
Coding change: c.208C>G on transcript NM_001206744.2 (MANE Select); coding-DNA position 208, C replaced by G.
Protein change: p.Pro70Ala; replaces proline 70 with alanine.
Molecular consequence: missense variant.
Genome position (GRCh38, 1-based): chr2:1,433,466, C>G. VCF-style: chr2-1433466-C-G. GRCh37 (hg19) VCF-style: chr2-1437238-C-G.
Other names: c.208C>G, p.Pro70Ala (NM_000547.6, NM_001206745.2, NM_175719.4 and 2 more transcripts); short protein forms P70A.
Identifiers: ClinVar variation 893323 (VCV000893323.8), dbSNP rs17855780, ClinGen allele CA1511360.